The following is an entry in ClinVar:

ClinVar aggregate classification (germline): Likely pathogenic. Review status: criteria provided, multiple submitters, no conflicts (2 of 4 stars). 3 submissions from 3 submitters: Likely pathogenic (3). Last evaluated 2025-08-14.

Conditions:
Combined malonic and methylmalonic acidemia. Identifiers: Orphanet 289504, MedGen C3280314, MONDO:0013661, OMIM 614265.

Allele frequency attached by ClinVar (database versions not stated): TOPMed below 0.00001.
gnomAD v4.1: 3 of 1,611,192 alleles (0.00019%); highest among the groups gnomAD compares: Admixed American, 0.0017%; no homozygotes.

Submissions (3):

Natera, Inc.
Classification: Likely pathogenic for Combined malonic and methylmalonic aciduria. Last evaluated: 2025-08-14. Review status: criteria provided, single submitter. Criteria: Natera Variant Classification Schema (03/2026). Collection method: clinical testing. Allele origin: germline.
Comment: The c.1126+1G>A variant in ACSF3 is a canonical splice donor site variant predicted to affect pre-mRNA splicing, which may result in an abnormal transcript and altered protein product. This variant is expected to result in nonsense mediated decay, truncation, or a dysfunctional protein product. This variant is rare in the general population with a frequency below the threshold expected for the associated phenotype(s). Given the available evidence, this variant is classified as Likely Pathogenic.

Labcorp Genetics (formerly Invitae), Labcorp
Classification: Likely pathogenic for Combined malonic and methylmalonic acidemia. Last evaluated: 2024-02-14. Review status: criteria provided, single submitter. Criteria: Invitae Variant Classification Sherloc (09022015). Collection method: clinical testing. Allele origin: germline.
Comment: This sequence change affects a donor splice site in intron 6 of the ACSF3 gene. It is expected to disrupt RNA splicing. Variants that disrupt the donor or acceptor splice site typically lead to a loss of protein function (PMID: 16199547), and loss-of-function variants in ACSF3 are known to be pathogenic (PMID: 21841779, 26827111). This variant is not present in population databases (gnomAD no frequency). This variant has not been reported in the literature in individuals affected with ACSF3-related conditions. ClinVar contains an entry for this variant (Variation ID: 1066114). Algorithms developed to predict the effect of sequence changes on RNA splicing suggest that this variant may disrupt the consensus splice site. In summary, the currently available evidence indicates that the variant is pathogenic, but additional data are needed to prove that conclusively. Therefore, this variant has been classified as Likely Pathogenic.

Baylor Genetics
Classification: Likely pathogenic for Combined malonic and methylmalonic acidemia. Last evaluated: 2022-04-11. Review status: criteria provided, single submitter. Criteria: ACMG Guidelines, 2015. Collection method: clinical testing. Allele origin: unknown.

Literature cited by the submitters: PubMed 16199547 (cited by Labcorp Genetics (formerly Invitae), Labcorp); PubMed 21841779 (cited by Labcorp Genetics (formerly Invitae), Labcorp); PubMed 26827111 (cited by Labcorp Genetics (formerly Invitae), Labcorp).

NM_001243279.3(ACSF3):c.1126+1G>A

Genes: ACSF3 (acyl-CoA synthetase family member 3; plus strand), LOC125177393 (P300/CBP strongly-dependent group 1 enhancer GRCh37_chr16:89180375-89181574; plus strand). Cytogenetic location: 16q24.3.
Variant type: single nucleotide variant.
Coding change: c.1126+1G>A on transcript NM_001243279.3 (MANE Select); the canonical splice donor site of the intron after coding-DNA position 1126, G replaced by A.
Molecular consequence: splice donor variant.
Genome position (GRCh38, 1-based): chr16:89,114,488, G>A. VCF-style: chr16-89114488-G-A. GRCh37 (hg19) VCF-style: chr16-89180896-G-A.
Other names: c.1126+1G>A (NM_001127214.4, NM_174917.5, NM_174917.4); c.331+1G>A (NM_001284316.2).
Identifiers: ClinVar variation 1066114 (VCV001066114.13), dbSNP rs916461556, ClinGen allele CA397140587.